The following is an entry in ClinVar:

ClinVar aggregate classification (germline): Uncertain significance (1 of 4 stars; one submission).

Conditions:
Hyperprolinemia type 2 (HYRPRO2). Also called: Deficiency of pyrroline-5-carboxylate reductase; Delta-1-pyrroline-5-carboxylate dehydrogenase deficiency; 1-PYRROLINE-5-CARBOXYLATE DEHYDROGENASE DEFICIENCY. Identifiers: Orphanet 79101, MedGen C2931835, MONDO:0009401, OMIM 239510.

Allele frequency attached by ClinVar (database versions not stated): ESP Exome Variant Server 0.00023.

Submission:

Labcorp Genetics (formerly Invitae), Labcorp
Classification: Uncertain significance for Hyperprolinemia type 2. Last evaluated: 2025-11-03. Review status: criteria provided, single submitter. Criteria: Invitae Variant Classification Sherloc (09022015). Collection method: clinical testing. Allele origin: germline.
Comment: This sequence change replaces alanine, which is neutral and non-polar, with serine, which is neutral and polar, at codon 350 of the ALDH4A1 protein (p.Ala350Ser). This variant is present in population databases (rs142969512, gnomAD 0.02%). This variant has not been reported in the literature in individuals affected with ALDH4A1-related conditions. ClinVar contains an entry for this variant (Variation ID: 2160205). An algorithm developed to predict the effect of missense changes on protein structure and function (PolyPhen-2) suggests that this variant is likely to be disruptive. In summary, the available evidence is currently insufficient to determine the role of this variant in disease. Therefore, it has been classified as a Variant of Uncertain Significance.

NM_003748.4(ALDH4A1):c.1048G>T (p.Ala350Ser)

Gene: ALDH4A1 (aldehyde dehydrogenase 4 family member A1; minus strand). Cytogenetic location: 1p36.13.
Variant type: single nucleotide variant.
Coding change: c.1048G>T on transcript NM_003748.4 (MANE Select); coding-DNA position 1048, G replaced by T.
Protein change: p.Ala350Ser; replaces alanine 350 with serine.
Molecular consequence: missense variant.
Genome position (GRCh38, 1-based): chr1:18,877,505, C>A on the plus strand (G>T on the coding strand, the complement: ALDH4A1 is on the minus strand). VCF-style: chr1-18877505-C-A. GRCh37 (hg19) VCF-style: chr1-19203999-C-A.
Other names: c.868G>T, p.Ala290Ser (NM_001161504.2); c.1048G>T, p.Ala350Ser (NM_001319218.2, NM_170726.3); short protein forms A350S, A290S.
Identifiers: ClinVar variation 2160205 (VCV002160205.2), dbSNP rs142969512, ClinGen allele CA647096.
Genomic context (GRCh38, chr1:18,877,505, plus strand): 5'-CCAGCAGCCGCCCTTTGATCTGCGGCCACAGCGAGTGCGGCACGTAGAGACGCGAGCACG[C>A]GGAACACTTCTGGCCACCGTACTCGAAGGCTGAGCGGAGGGTCCCGCTCACCACGCTCTC-3'
Protein context (NP_003739.2, residues 340-360): AFEYGGQKCS[Ala350Ser]CSRLYVPHSL